The following is an entry in ClinVar:

ClinVar aggregate classification (germline): Likely benign (0 of 4 stars; one submission).

Conditions:
PSMB9-related disorder. Also called: PSMB9-related condition.

gnomAD v4.1: 34 of 1,612,172 alleles (0.0021%); highest among the groups gnomAD compares: African/African-American, 0.017%; 2 homozygotes.

Submission:

PreventionGenetics, part of Exact Sciences
Classification: Likely benign for PSMB9-related condition. Last evaluated: 2019-09-17. Review status: no assertion criteria provided. Collection method: clinical testing. Allele origin: germline.
Comment: This variant is classified as likely benign based on ACMG/AMP sequence variant interpretation guidelines (Richards et al. 2015 PMID: 25741868, with internal and published modifications).

NM_002800.5(PSMB9):c.252G>A (p.Glu84=)

Gene: PSMB9 (proteasome 20S subunit beta 9; plus strand). Cytogenetic location: 6p21.32.
Variant type: single nucleotide variant.
Coding change: c.252G>A on transcript NM_002800.5 (MANE Select); coding-DNA position 252, G replaced by A.
Protein change: p.Glu84=; no amino-acid change (glutamic acid 84 retained).
Molecular consequence: synonymous variant.
Genome position (GRCh38, 1-based): chr6:32,857,386, G>A. VCF-style: chr6-32857386-G-A. GRCh37 (hg19) VCF-style: chr6-32825163-G-A.
Identifiers: ClinVar variation 3355400 (VCV003355400.1).